The following is an entry in ClinVar:

NM_020843.4(SCAPER):c.2702A>G (p.Tyr901Cys)

Gene: SCAPER (S-phase cyclin A associated protein in the ER; minus strand). Cytogenetic location: 15q24.3.
Variant type: single nucleotide variant.
Coding change: c.2702A>G on transcript NM_020843.4 (MANE Select); coding-DNA position 2702, A replaced by G.
Protein change: p.Tyr901Cys; replaces tyrosine 901 with cysteine.
Molecular consequence: missense variant. On other transcripts: non-coding transcript variant (1).
Genome position (GRCh38, 1-based): chr15:76,621,773, T>C on the plus strand (A>G on the coding strand, the complement: SCAPER is on the minus strand). VCF-style: chr15-76621773-T-C. GRCh37 (hg19) VCF-style: chr15-76914114-T-C.
Other names: c.2720A>G (NM_001353009.1); c.1964A>G, p.Tyr655Cys (NM_001145923.2); c.2720A>G, p.Tyr907Cys (NM_001353009.2); c.2300A>G, p.Tyr767Cys (NM_001353010.2, NM_001353012.2); c.2318A>G, p.Tyr773Cys (NM_001353011.2); short protein forms Y767C, Y901C, Y655C, Y907C, Y773C.
Identifiers: ClinVar variation 3792961 (VCV003792961.3).
Genomic context (GRCh38, chr15:76,621,773, plus strand): 5'-TGTTACAGGCATAGACTGAAGAAAAGGAGAACTAAAATGTGGAATACTCACTTTGCTTTA[T>C]AAGGTGAATCAGAGCCAGAATTTTTGGTTTCCATTAAACTCTCATATTCCTTAGCCCTGA-3'
Protein context (NP_065894.2, residues 891-911): ETKNSGSDSP[Tyr901Cys]KAKLQRLAKD

ClinVar aggregate classification (germline): Uncertain significance. Review status: criteria provided, multiple submitters, no conflicts (2 of 4 stars). 3 submissions from 3 submitters: Uncertain significance (3). Last evaluated 2026-03-03.

Conditions:
SCAPER-related disorder. Also called: SCAPER-related condition.
Inborn genetic diseases. Identifiers: MedGen C0950123, MeSH D030342.

gnomAD v4.1: 51 of 1,606,868 alleles (0.0032%); highest among the groups gnomAD compares: Middle Eastern, 0.033%; no homozygotes.

Submissions (3):

PreventionGenetics, part of Exact Sciences
Classification: Uncertain significance for SCAPER-related condition. Last evaluated: 2026-03-03. Review status: criteria provided, single submitter. Criteria: ACMG Guidelines, 2015. Collection method: clinical testing. Allele origin: germline.
Comment: The SCAPER c.2720A>G variant is predicted to result in the amino acid substitution p.Tyr907Cys. To our knowledge, this variant has not been reported in the literature. This variant is reported in 0.0047% of alleles in individuals of European (Non-Finnish) descent in gnomAD. At this time, the clinical significance of this variant is uncertain due to the absence of conclusive functional and genetic evidence.

Ambry Genetics
Classification: Uncertain significance for Inborn genetic diseases. Last evaluated: 2025-01-24. Review status: criteria provided, single submitter. Criteria: Ambry Variant Classification Scheme 2023. Collection method: clinical testing. Allele origin: germline.

Blueprint Genetics
Classification: Uncertain significance. Last evaluated: 2024-09-10. Review status: criteria provided, single submitter. Criteria: ACMG Guidelines, 2015. Collection method: clinical testing. Allele origin: germline.